The following is an entry in ClinVar:

NM_001244008.2(KIF1A):c.4535C>T (p.Ala1512Val)

Gene: KIF1A (kinesin family member 1A; minus strand). Cytogenetic location: 2q37.3.
Variant type: single nucleotide variant.
Coding change: c.4535C>T on transcript NM_001244008.2 (MANE Select); coding-DNA position 4535, C replaced by T.
Protein change: p.Ala1512Val; replaces alanine 1512 with valine.
Molecular consequence: missense variant.
Genome position (GRCh38, 1-based): chr2:240,722,586, G>A on the plus strand (C>T on the coding strand, the complement: KIF1A is on the minus strand). VCF-style: chr2-240722586-G-A. GRCh37 (hg19) VCF-style: chr2-241662003-G-A.
Other names: c.4259C>T, p.Ala1420Val (NM_001320705.2, NM_001379649.1); c.4286C>T, p.Ala1429Val (NM_001330289.2); c.4334C>T, p.Ala1445Val (NM_001330290.2, NM_001379648.1); c.4610C>T, p.Ala1537Val (NM_001379631.1); c.4511C>T, p.Ala1504Val (NM_001379632.1); c.4508C>T, p.Ala1503Val (NM_001379633.1, NM_001379645.1); c.4361C>T, p.Ala1454Val (NM_001379634.1); c.4358C>T, p.Ala1453Val (NM_001379635.1, NM_001379646.1); and 7 more; short protein forms A1410V, A1411V, A1419V, A1420V, A1428V, A1429V, A1436V, A1445V.
Identifiers: ClinVar variation 3750371 (VCV003750371.2).

ClinVar aggregate classification (germline): Uncertain significance (1 of 4 stars; one submission).

Conditions:
Neuropathy, hereditary sensory, type 2C. Also called: KIF1A-Related HSAN2 (HSAN2C); Hereditary sensory and autonomic neuropathy type IIC. Identifiers: Orphanet 970, MedGen C3280168, MONDO:0013634, OMIM 614213.
Hereditary spastic paraplegia 30. Identifiers: Orphanet 101010, MedGen C5235139, MONDO:0012476.
Intellectual disability, autosomal dominant 9 (NESCAVS). Also called: KIF1A-Related Neurodevelopmental Disorder; NESCAV SYNDROME. Identifiers: Orphanet 662367, MedGen C5393830, MONDO:0013656, OMIM 614255.

gnomAD v4.1: 1 of 1,563,436 alleles (0.000064%); highest among the groups gnomAD compares: Non-Finnish European, 0.000087%; no homozygotes.

Submission:

Labcorp Genetics (formerly Invitae), Labcorp
Classification: Uncertain significance for Hereditary spastic paraplegia 30; Neuropathy, hereditary sensory, type 2C; Intellectual disability, autosomal dominant 9. Last evaluated: 2024-03-27. Review status: criteria provided, single submitter. Criteria: Invitae Variant Classification Sherloc (09022015). Collection method: clinical testing. Allele origin: germline.
Comment: This sequence change replaces alanine, which is neutral and non-polar, with valine, which is neutral and non-polar, at codon 1411 of the KIF1A protein (p.Ala1411Val). This variant is not present in population databases (gnomAD no frequency). This variant has not been reported in the literature in individuals affected with KIF1A-related conditions. Advanced modeling of protein sequence and biophysical properties (such as structural, functional, and spatial information, amino acid conservation, physicochemical variation, residue mobility, and thermodynamic stability) performed at Invitae indicates that this missense variant is not expected to disrupt KIF1A protein function with a negative predictive value of 95%. In summary, the available evidence is currently insufficient to determine the role of this variant in disease. Therefore, it has been classified as a Variant of Uncertain Significance.